The following is an entry in ClinVar:

NM_001393392.1(AKR1C2):c.368del (p.Lys123fs)

Gene: AKR1C2 (aldo-keto reductase family 1 member C2; minus strand). Cytogenetic location: 10p15.1.
Variant type: Deletion.
Coding change: c.368del on transcript NM_001393392.1 (MANE Select); coding-DNA position 368, one base deleted (A; older notation c.368delA).
Protein change: p.Lys123fs; shifts the reading frame from lysine 123.
Molecular consequence: frameshift variant.
Genome position (GRCh38, 1-based): chr10:5,000,551, T deleted on the plus strand (A on the coding strand, the reverse complement: AKR1C2 is on the minus strand); the first of 3 consecutive T bases (chr10:5,000,551-5,000,553); deleting any one gives the same sequence. VCF-style (leftmost placement, unchanged base first): chr10-5000550-CT-C. GRCh37 (hg19) VCF-style: chr10-5042742-CT-C.
Other names: c.368del, p.Lys123fs (NM_001135241.3, NM_001321027.2, NM_001354.6 and 1 more transcripts); short protein forms K123fs.
Identifiers: ClinVar variation 5007719 (VCV005007719.2).
Genomic context (GRCh38, chr10:5,000,550, plus strand): 5'-GAAAACAATATTTATGCTGAGAACAAAAGTGAAATTAATTTGATCACACAAGCTGCCTAC[CT>C]TTACAGACACTGGAAAATGAATAAGATAGAGGTCAACATAGTCCAATTGAAGATTTTTCA-3'

ClinVar aggregate classification (germline): Uncertain significance (1 of 4 stars; one submission).

Conditions:
46,XY disorder of sex development due to testicular 17,20-desmolase deficiency. Also called: 46,XY SEX REVERSAL 8; MALE PSEUDOHERMAPHRODITISM DUE TO DEFICIENCY OF TESTICULAR 17,20-DESMOLASE; 46,XY SEX REVERSAL 8, MODIFIER OF. Identifiers: Orphanet 443087, MedGen C1839840, MONDO:0013664, OMIM 614279.

Submission:

Juno Genomics, Hangzhou Juno Genomics, Inc
Classification: Uncertain significance for 46,XY disorder of sex development due to testicular 17,20-desmolase deficiency. Review status: criteria provided, single submitter. Criteria: ACMG Guidelines, 2015. Collection method: clinical testing. Allele origin: germline.
Comment: Absent from controls (or at extremely low frequency if recessive) in Genome Aggregation Database.